The following is an entry in ClinVar:

ClinVar aggregate classification (germline): Conflicting classifications of pathogenicity. Review status: criteria provided, conflicting classifications (1 of 4 stars). 6 submissions from 6 submitters: Uncertain significance (1); Benign (2); Likely benign (2). 1 of the submissions does not count toward it. Last evaluated 2026-02-16.

Conditions:
RELN-related disorder. Also called: RELN-related condition.
Norman-Roberts syndrome (LIS2). Also called: Lissencephaly 2 (Norman-Roberts type). Identifiers: Orphanet 89844, MedGen C0796089, MONDO:0009760, OMIM 257320.
Familial temporal lobe epilepsy 7. Identifiers: Orphanet 101046, MedGen C4225327, MONDO:0014639, OMIM 616436.

Allele frequency attached by ClinVar (database versions not stated): gnomAD 0.00001 and 0.00009; TOPMed 0.00005; 1000 Genomes Project 30x 0.00016; gnomAD exomes 0.00018; 1000 Genomes Project 0.00020; ExAC 0.00022.
gnomAD v4.1: 179 of 1,613,694 alleles (0.011%); highest among the groups gnomAD compares: South Asian, 0.17%; 6 homozygotes.

Submissions (6):

Women's Health and Genetics/Laboratory Corporation of America, LabCorp
Classification: Benign. Last evaluated: 2026-02-16. Review status: criteria provided, single submitter. Criteria: LabCorp Variant Classification Summary - May 2015. Collection method: clinical testing. Allele origin: germline.
Comment: Variant summary: RELN c.7762A>C (p.Asn2588His) results in a conservative amino acid change in the encoded protein sequence. Algorithms developed to predict the effect of missense changes on protein structure and function all suggest that this variant is likely to be tolerated. The variant allele was found at a frequency of 0.00018 in 251480 control chromosomes, predominantly at a frequency of 0.0014 within the South Asian subpopulation in the gnomAD database, including 1 homozygote. The observed variant frequency within South Asian control individuals in the gnomAD database exceeds the estimated maximal expected allele frequency for disease-causing variants in RELN. Further, the presence of homozygous control(s) in the gnomAD database is not consistent with the early onset/severe nature of RELN-related conditions. To our knowledge, no occurrence of c.7762A>C in individuals affected with RELN-related conditions and no experimental evidence demonstrating its impact on protein function have been reported. ClinVar contains an entry for this variant (Variation ID: 911306). Based on the evidence outlined above, the variant was classified as benign.

Labcorp Genetics (formerly Invitae), Labcorp
Classification: Benign for Familial temporal lobe epilepsy 7; Norman-Roberts syndrome. Last evaluated: 2025-11-17. Review status: criteria provided, single submitter. Criteria: Invitae Variant Classification Sherloc (09022015). Collection method: clinical testing. Allele origin: germline.

CeGaT Center for Human Genetics Tuebingen
Classification: Likely benign. Last evaluated: 2022-10-01. Review status: criteria provided, single submitter. Criteria: CeGaT Center For Human Genetics Tuebingen Variant Classification Criteria Version 2. Collection method: clinical testing. Allele origin: germline. Affected: yes. Observed: 2 variant alleles.
Comment: RELN: BP4

GeneDx
Classification: Likely benign. Last evaluated: 2020-02-13. Review status: criteria provided, single submitter. Criteria: GeneDx Variant Classification Process June 2021. Collection method: clinical testing. Allele origin: germline. Affected: yes.
Comment: Has not been previously published as pathogenic or benign to our knowledge

Illumina Laboratory Services, Illumina
Classification: Uncertain significance for Norman-Roberts syndrome. Last evaluated: 2018-01-22. Review status: criteria provided, single submitter. Criteria: ICSL Variant Classification Criteria 13 December 2019. Collection method: clinical testing. Allele origin: germline.

PreventionGenetics, part of Exact Sciences
Classification: Likely benign for RELN-related condition. Last evaluated: 2024-06-05. Review status: no assertion criteria provided. Collection method: clinical testing. Allele origin: germline. Not counted in ClinVar's aggregate classification.
Comment: This variant is classified as likely benign based on ACMG/AMP sequence variant interpretation guidelines (Richards et al. 2015 PMID: 25741868, with internal and published modifications).

NM_005045.4(RELN):c.7762A>C (p.Asn2588His)

Gene: RELN (reelin; minus strand). Cytogenetic location: 7q22.1.
Variant type: single nucleotide variant.
Coding change: c.7762A>C on transcript NM_005045.4 (MANE Select); coding-DNA position 7762, A replaced by C.
Protein change: p.Asn2588His; replaces asparagine 2588 with histidine.
Molecular consequence: missense variant.
Genome position (GRCh38, 1-based): chr7:103,519,423, T>G on the plus strand (A>C on the coding strand, the complement: RELN is on the minus strand). VCF-style: chr7-103519423-T-G. GRCh37 (hg19) VCF-style: chr7-103159870-T-G.
Other names: c.7762A>C, p.Asn2588His (NM_173054.3); short protein forms N2588H.
Identifiers: ClinVar variation 911306 (VCV000911306.49), dbSNP rs569919781, ClinGen allele CA4420662.